The following is an entry in ClinVar:

ClinVar aggregate classification (germline): Likely benign (1 of 4 stars; one submission).

Allele frequency attached by ClinVar (database versions not stated): gnomAD exomes below 0.00001; gnomAD 0.00001; TOPMed 0.00001; ExAC 0.00002.
gnomAD v4.1: 3 of 1,613,970 alleles (0.00019%); highest among the groups gnomAD compares: African/African-American, 0.0027%; no homozygotes.

Submission:

CeGaT Center for Human Genetics Tuebingen
Classification: Likely benign. Last evaluated: 2022-10-01. Review status: criteria provided, single submitter. Criteria: CeGaT Center For Human Genetics Tuebingen Variant Classification Criteria Version 2. Collection method: clinical testing. Allele origin: germline. Affected: yes. Observed: 1 variant allele.
Comment: MYCN: BP4

NM_005378.6(MYCN):c.1087A>G (p.Ile363Val)

Gene: MYCN (MYCN proto-oncogene, bHLH transcription factor; plus strand). Cytogenetic location: 2p24.3.
Variant type: single nucleotide variant.
Coding change: c.1087A>G on transcript NM_005378.6 (MANE Select); coding-DNA position 1087, A replaced by G.
Protein change: p.Ile363Val; replaces isoleucine 363 with valine.
Molecular consequence: missense variant. On other transcripts: 3 prime UTR variant (1).
Genome position (GRCh38, 1-based): chr2:15,945,789, A>G. VCF-style: chr2-15945789-A-G. GRCh37 (hg19) VCF-style: chr2-16085911-A-G.
Other names: c.1087A>G, p.Ile363Val (NM_001293228.2); c.454A>G, p.Ile152Val (NM_001293231.2); c.*1022A>G (NM_001293233.2); short protein forms I152V, I363V.
Identifiers: ClinVar variation 2650696 (VCV002650696.24), dbSNP rs761502958, ClinGen allele CA1538312.